The following is an entry in ClinVar:

NM_024675.4(PALB2):c.800C>T (p.Pro267Leu)

Gene: PALB2 (partner and localizer of BRCA2; minus strand). Cytogenetic location: 16p12.2.
Variant type: single nucleotide variant.
Coding change: c.800C>T on transcript NM_024675.4 (MANE Select); coding-DNA position 800, C replaced by T.
Protein change: p.Pro267Leu; replaces proline 267 with leucine.
Molecular consequence: missense variant.
Genome position (GRCh38, 1-based): chr16:23,635,746, G>A on the plus strand (C>T on the coding strand, the complement: PALB2 is on the minus strand). VCF-style: chr16-23635746-G-A. GRCh37 (hg19) VCF-style: chr16-23647067-G-A.
Other names: short protein forms P267L.
Identifiers: ClinVar variation 960795 (VCV000960795.11), dbSNP rs1967020152, ClinGen allele CA395136016.
Genomic context (GRCh38, chr16:23,635,746, plus strand): 5'-ACAGGTGAAGTAAATCTAATGTTTTTTAGGTCGTGAGTAGTAAGTTCACTGCTACCTTTA[G>A]GAGGAATGTGTTCAAGGTGCTGACTACTACCGCTATCTGATAGAGTCTGTAAAGGAACTG-3'
Protein context (NP_078951.2, residues 257-277): GSSQHLEHIP[Pro267Leu]KGSSELTTHD

ClinVar aggregate classification (germline): Uncertain significance. Review status: criteria provided, multiple submitters, no conflicts (2 of 4 stars). 2 submissions from 2 submitters: Uncertain significance (2). Last evaluated 2024-02-28.

Conditions:
Hereditary cancer-predisposing syndrome. Also called: Tumor predisposition; Hereditary neoplastic syndrome; Neoplastic Syndromes, Hereditary; Hereditary Cancer Syndrome. Identifiers: Orphanet 140162, MedGen C0027672, MeSH D009386, MONDO:0015356.
Familial cancer of breast. Also called: BREAST CANCER, FAMILIAL; Hereditary breast cancer; hereditary breast carcinoma. Identifiers: Orphanet 227535, MedGen C0346153, MONDO:0016419, OMIM 114480. Disease mechanism: loss of function.

Submissions (2):

Ambry Genetics
Classification: Uncertain significance for Hereditary cancer-predisposing syndrome. Last evaluated: 2024-02-28. Review status: criteria provided, single submitter. Criteria: Ambry Variant Classification Scheme 2023. Collection method: clinical testing. Allele origin: germline.
Comment: The p.P267L variant (also known as c.800C>T), located in coding exon 4 of the PALB2 gene, results from a C to T substitution at nucleotide position 800. The proline at codon 267 is replaced by leucine, an amino acid with similar properties. This amino acid position is conserved. In addition, this alteration is predicted to be tolerated by in silico analysis. Based on the available evidence, the clinical significance of this alteration remains unclear.

Labcorp Genetics (formerly Invitae), Labcorp
Classification: Uncertain significance for Familial cancer of breast. Last evaluated: 2022-05-27. Review status: criteria provided, single submitter. Criteria: Invitae Variant Classification Sherloc (09022015). Collection method: clinical testing. Allele origin: germline.
Comment: In summary, the available evidence is currently insufficient to determine the role of this variant in disease. Therefore, it has been classified as a Variant of Uncertain Significance. This sequence change replaces proline, which is neutral and non-polar, with leucine, which is neutral and non-polar, at codon 267 of the PALB2 protein (p.Pro267Leu). This variant is not present in population databases (gnomAD no frequency). This variant has not been reported in the literature in individuals affected with PALB2-related conditions. ClinVar contains an entry for this variant (Variation ID: 960795). Algorithms developed to predict the effect of missense changes on protein structure and function output the following: SIFT: "Tolerated"; PolyPhen-2: "Benign"; Align-GVGD: "Class C0". The leucine amino acid residue is found in multiple mammalian species, which suggests that this missense change does not adversely affect protein function.